The following is an entry in ClinVar:

NM_006424.3(SLC34A2):c.107A>G (p.Asn36Ser)

Gene: SLC34A2 (solute carrier family 34 member 2; plus strand). Cytogenetic location: 4p15.2.
Variant type: single nucleotide variant.
Coding change: c.107A>G on transcript NM_006424.3 (MANE Select); coding-DNA position 107, A replaced by G.
Protein change: p.Asn36Ser; replaces asparagine 36 with serine.
Molecular consequence: missense variant.
Genome position (GRCh38, 1-based): chr4:25,662,607, A>G. VCF-style: chr4-25662607-A-G. GRCh37 (hg19) VCF-style: chr4-25664229-A-G.
Other names: c.107A>G, p.Asn36Ser (NM_001177998.2, NM_001177999.2); short protein forms N36S.
Identifiers: ClinVar variation 3609401 (VCV003609401.2).

ClinVar aggregate classification (germline): Uncertain significance (1 of 4 stars; one submission).

gnomAD v4.1: 1 of 1,614,016 alleles (0.000062%); highest among the groups gnomAD compares: Non-Finnish European, 0.000085%; no homozygotes.

Submission:

Labcorp Genetics (formerly Invitae), Labcorp
Classification: Uncertain significance. Last evaluated: 2024-03-16. Review status: criteria provided, single submitter. Criteria: Invitae Variant Classification Sherloc (09022015). Collection method: clinical testing. Allele origin: germline.
Comment: This sequence change replaces asparagine, which is neutral and polar, with serine, which is neutral and polar, at codon 36 of the SLC34A2 protein (p.Asn36Ser). This variant is present in population databases (rs764907223, gnomAD 0.003%). This variant has not been reported in the literature in individuals affected with SLC34A2-related conditions. Algorithms developed to predict the effect of missense changes on protein structure and function output the following: SIFT: "Not Available"; PolyPhen-2: "Benign"; Align-GVGD: "Not Available". The serine amino acid residue is found in multiple mammalian species, which suggests that this missense change does not adversely affect protein function. In summary, the available evidence is currently insufficient to determine the role of this variant in disease. Therefore, it has been classified as a Variant of Uncertain Significance.